The following is an entry in ClinVar:

NM_001267550.2(TTN):c.2537T>A (p.Leu846Ter)

Gene: TTN (titin; minus strand). Cytogenetic location: 2q31.2.
Variant type: single nucleotide variant.
Coding change: c.2537T>A on transcript NM_001267550.2 (MANE Select); coding-DNA position 2537, T replaced by A.
Protein change: p.Leu846Ter; replaces leucine 846 with a stop codon.
Molecular consequence: nonsense.
Genome position (GRCh38, 1-based): chr2:178,784,308, A>T on the plus strand (T>A on the coding strand, the complement: TTN is on the minus strand). VCF-style: chr2-178784308-A-T. GRCh37 (hg19) VCF-style: chr2-179649035-A-T.
Other names: c.2537T>A, p.Leu846Ter (NM_001256850.1, NM_133378.4, NM_133379.5); c.2399T>A, p.Leu800Ter (NM_003319.4, NM_133432.3, NM_133437.4); short protein forms L800*, L846*.
Identifiers: ClinVar variation 4538984 (VCV004538984.1).

ClinVar aggregate classification (germline): Uncertain significance (1 of 4 stars; one submission).

gnomAD v4.1: 1 of 1,614,144 alleles (0.000062%); highest among the groups gnomAD compares: African/African-American, 0.0013%; no homozygotes.

Submission:

GeneDx
Classification: Uncertain significance. Last evaluated: 2025-06-20. Review status: criteria provided, single submitter. Criteria: GeneDx Variant Classification Process June 2021. Collection method: clinical testing. Allele origin: germline. Affected: yes.
Comment: Not observed at significant frequency in large population cohorts (gnomAD); Nonsense variant predicted to result in protein truncation or nonsense mediated decay in a gene or region of a gene for which loss of function is not a well-established mechanism of disease; Has not been previously published as pathogenic or benign to our knowledge